The following is an entry in ClinVar:

NM_145064.3(STAC3):c.214GAG[4] (p.Glu76del)

Gene: STAC3 (SH3 and cysteine rich domain 3; minus strand). Cytogenetic location: 12q13.3.
Variant type: Microsatellite.
Coding change: c.214GAG[4] on transcript NM_145064.3 (MANE Select); four copies in a row of the 3-base unit GAG starting at c.214; the reference has five copies in a row; one copy, 3 bases deleted.
Protein change: p.Glu76del; deletes glutamic acid 76.
Molecular consequence: inframe deletion. On other transcripts: intron variant (1).
Genome position (GRCh38, 1-based): chr12:57,249,147-57,249,149, CTC deleted on the plus strand (GAG on the coding strand, the reverse complement: STAC3 is on the minus strand); deleting any 3 consecutive bases within chr12:57,249,147-57,249,161 gives the same sequence; the position shown is the placement nearest the transcript's 3' end. VCF-style (leftmost placement, unchanged base first): chr12-57249146-GCTC-G. GRCh37 (hg19) VCF-style: chr12-57642929-GCTC-G.
Other names: c.97GAG[4], p.Glu37del (NM_001286256.2); c.-126-963GAG[4] (NM_001286257.2); short protein forms E76del, E37del.
Identifiers: ClinVar variation 947120 (VCV000947120.7), dbSNP rs781007752, ClinGen allele CA6647217.

ClinVar aggregate classification (germline): Uncertain significance (1 of 4 stars; one submission).

Conditions:
Bailey-Bloch congenital myopathy (CMYO13). Also called: STAC3 disorder; Congenital myopathy 13; Native American myopathy. Identifiers: Orphanet 168572, MedGen C1850625, MONDO:0009722, OMIM 255995.

Submission:

Labcorp Genetics (formerly Invitae), Labcorp
Classification: Uncertain significance for Bailey-Bloch congenital myopathy. Last evaluated: 2022-08-01. Review status: criteria provided, single submitter. Criteria: Invitae Variant Classification Sherloc (09022015). Collection method: clinical testing. Allele origin: germline.
Comment: This variant, c.226_228del, results in the deletion of 1 amino acid(s) of the STAC3 protein (p.Glu76del), but otherwise preserves the integrity of the reading frame. The frequency data for this variant in the population databases is considered unreliable, as metrics indicate poor data quality at this position in the gnomAD database. This variant has not been reported in the literature in individuals affected with STAC3-related conditions. ClinVar contains an entry for this variant (Variation ID: 947120). Experimental studies and prediction algorithms are not available or were not evaluated, and the functional significance of this variant is currently unknown. In summary, the available evidence is currently insufficient to determine the role of this variant in disease. Therefore, it has been classified as a Variant of Uncertain Significance.